The following is an entry in ClinVar:

NM_015047.3(EMC1):c.1064G>A (p.Ser355Asn)

Genes: EMC1 (ER membrane protein complex subunit 1; minus strand), EMC1-AS1 (EMC1 antisense RNA 1; plus strand). Cytogenetic location: 1p36.13.
Variant type: single nucleotide variant.
Coding change: c.1064G>A on transcript NM_015047.3 (MANE Select); coding-DNA position 1064, G replaced by A.
Protein change: p.Ser355Asn; replaces serine 355 with asparagine.
Molecular consequence: missense variant.
Genome position (GRCh38, 1-based): chr1:19,238,820, C>T on the plus strand (G>A on the coding strand, the complement: EMC1 is on the minus strand). VCF-style: chr1-19238820-C-T. GRCh37 (hg19) VCF-style: chr1-19565314-C-T.
Other names: c.1061G>A, p.Ser354Asn (NM_001271427.2, NM_001375821.1); c.1064G>A, p.Ser355Asn (NM_001271428.2, NM_001375820.1); c.998G>A, p.Ser333Asn (NM_001271429.2); short protein forms S354N, S333N, S355N.
Identifiers: ClinVar variation 2871367 (VCV002871367.3), dbSNP rs765834126, ClinGen allele CA652695.
Genomic context (GRCh38, chr1:19,238,820, plus strand): 5'-CTAGGTCTGGCATACTGCCCAGTGCCACACCATACCTTTGAACTAGACTTCTCCGAAAAG[C>T]TCCCCATTGACCCATCTTCAGAACTGCTACTTTTCTGCTATGAGAAAGAGAAGGACAGGA-3'
Protein context (NP_055862.1, residues 345-365): SSSSEDGSMG[Ser355Asn]FSEKSSSKDS

ClinVar aggregate classification (germline): Uncertain significance (1 of 4 stars; one submission).

Allele frequency attached by ClinVar (database versions not stated): gnomAD exomes below 0.00001; ExAC 0.00001; TOPMed 0.00001.
gnomAD v4.1: 4 of 1,611,930 alleles (0.00025%); highest among the groups gnomAD compares: Non-Finnish European, 0.00034%; 1 homozygote.

Submission:

Labcorp Genetics (formerly Invitae), Labcorp
Classification: Uncertain significance. Last evaluated: 2024-09-15. Review status: criteria provided, single submitter. Criteria: Invitae Variant Classification Sherloc (09022015). Collection method: clinical testing. Allele origin: germline.
Comment: This sequence change replaces serine, which is neutral and polar, with asparagine, which is neutral and polar, at codon 355 of the EMC1 protein (p.Ser355Asn). This variant is present in population databases (rs765834126, gnomAD 0.0009%). This variant has not been reported in the literature in individuals affected with EMC1-related conditions. An algorithm developed to predict the effect of missense changes on protein structure and function outputs the following: PolyPhen-2: "Benign". The asparagine amino acid residue is found in multiple mammalian species, which suggests that this missense change does not adversely affect protein function. In summary, the available evidence is currently insufficient to determine the role of this variant in disease. Therefore, it has been classified as a Variant of Uncertain Significance.